The following is an entry in ClinVar:

NM_017934.7(PHIP):c.1431C>T (p.Phe477=)

Gene: PHIP (PHIP subunit of CUL4-Ring ligase complex; minus strand). Cytogenetic location: 6q14.1.
Variant type: single nucleotide variant.
Coding change: c.1431C>T on transcript NM_017934.7 (MANE Select); coding-DNA position 1431, C replaced by T.
Protein change: p.Phe477=; no amino-acid change (phenylalanine 477 retained).
Molecular consequence: synonymous variant.
Genome position (GRCh38, 1-based): chr6:79,015,175, G>A on the plus strand (C>T on the coding strand, the complement: PHIP is on the minus strand). VCF-style: chr6-79015175-G-A. GRCh37 (hg19) VCF-style: chr6-79724892-G-A.
Other names: c.1431C>T (NM_017934.6).
Identifiers: ClinVar variation 2049096 (VCV002049096.5), dbSNP rs1016597428, ClinGen allele CA141855509.

ClinVar aggregate classification (germline): Likely benign. Review status: criteria provided, multiple submitters, no conflicts (2 of 4 stars). 2 submissions from 2 submitters: Likely benign (2). Last evaluated 2025-03-19.

Conditions:
PHIP-related disorder. Also called: PHIP-related disorders; PHIP-related condition.

Allele frequency attached by ClinVar (database versions not stated): gnomAD 0.00001.
gnomAD v4.1: 14 of 1,610,300 alleles (0.00087%); highest among the groups gnomAD compares: Middle Eastern, 0.049%; no homozygotes.

Submissions (2):

PreventionGenetics, part of Exact Sciences
Classification: Likely benign for PHIP-related condition. Last evaluated: 2025-03-19. Review status: criteria provided, single submitter. Criteria: ACMG Guidelines, 2015. Collection method: clinical testing. Allele origin: germline.
Comment: This variant is classified as likely benign based on ACMG/AMP sequence variant interpretation guidelines (Richards et al. 2015 PMID: 25741868, with internal and published modifications).

Labcorp Genetics (formerly Invitae), Labcorp
Classification: Likely benign. Last evaluated: 2023-05-29. Review status: criteria provided, single submitter. Criteria: Invitae Variant Classification Sherloc (09022015). Collection method: clinical testing. Allele origin: germline.